The following is an entry in ClinVar:

NM_000059.4(BRCA2):c.2153A>C (p.Glu718Ala)

Gene: BRCA2 (BRCA2 DNA repair associated; plus strand). Cytogenetic location: 13q13.1.
Variant type: single nucleotide variant.
Coding change: c.2153A>C on transcript NM_000059.4 (MANE Select); coding-DNA position 2153, A replaced by C.
Protein change: p.Glu718Ala; replaces glutamic acid 718 with alanine.
Molecular consequence: missense variant.
Genome position (GRCh38, 1-based): chr13:32,336,508, A>C. VCF-style: chr13-32336508-A-C. GRCh37 (hg19) VCF-style: chr13-32910645-A-C.
Other names: short protein forms E718A.
Identifiers: ClinVar variation 409488 (VCV000409488.15), dbSNP rs1060502427, ClinGen allele CA16614243.

ClinVar aggregate classification (germline): Conflicting classifications of pathogenicity. Review status: criteria provided, conflicting classifications (1 of 4 stars). 3 submissions from 3 submitters: Uncertain significance (2); Likely benign (1). Last evaluated 2024-05-08.

Conditions:
Hereditary breast ovarian cancer syndrome. Also called: Hereditary breast and ovarian cancer; Hereditary breast and/or ovarian cancer syndrome; BRCA1- and BRCA2-Associated Hereditary Breast and Ovarian Cancer; Hereditary breast and ovarian cancer syndrome; Hereditary breast and ovarian cancer syndrome (HBOC); Breast and ovarian cancer. Identifiers: Orphanet 145, MedGen C0677776, MeSH D061325, MONDO:0003582. Disease mechanism: loss of function.
Hereditary cancer-predisposing syndrome. Also called: Tumor predisposition; Hereditary Cancer Syndrome; Hereditary neoplastic syndrome; Neoplastic Syndromes, Hereditary. Identifiers: Orphanet 140162, MedGen C0027672, MeSH D009386, MONDO:0015356.

Submissions (3):

Labcorp Genetics (formerly Invitae), Labcorp
Classification: Uncertain significance for Hereditary breast ovarian cancer syndrome. Last evaluated: 2024-05-08. Review status: criteria provided, single submitter. Criteria: Invitae Variant Classification Sherloc (09022015). Collection method: clinical testing. Allele origin: germline.
Comment: This sequence change replaces glutamic acid, which is acidic and polar, with alanine, which is neutral and non-polar, at codon 718 of the BRCA2 protein (p.Glu718Ala). This variant is not present in population databases (gnomAD no frequency). This missense change has been observed in individual(s) with breast cancer (PMID: 32772980). ClinVar contains an entry for this variant (Variation ID: 409488). Advanced modeling of protein sequence and biophysical properties (such as structural, functional, and spatial information, amino acid conservation, physicochemical variation, residue mobility, and thermodynamic stability) performed at Invitae indicates that this missense variant is not expected to disrupt BRCA2 protein function with a negative predictive value of 95%. In summary, the available evidence is currently insufficient to determine the role of this variant in disease. Therefore, it has been classified as a Variant of Uncertain Significance.

Ambry Genetics
Classification: Uncertain significance for Hereditary cancer-predisposing syndrome. Last evaluated: 2024-04-03. Review status: criteria provided, single submitter. Criteria: Ambry Variant Classification Scheme 2023. Collection method: clinical testing. Allele origin: germline.
Comment: The p.E718A variant (also known as c.2153A>C), located in coding exon 10 of the BRCA2 gene, results from an A to C substitution at nucleotide position 2153. The glutamic acid at codon 718 is replaced by alanine, an amino acid with dissimilar properties. This amino acid position is poorly conserved in available vertebrate species. In addition, this alteration is predicted to be tolerated by in silico analysis. Based on the available evidence, the clinical significance of this variant remains unclear.

University of Washington Department of Laboratory Medicine, University of Washington
Classification: Likely benign for Hereditary cancer-predisposing syndrome. Last evaluated: 2023-03-23. Review status: criteria provided, single submitter. Criteria: Dines et al. (Genet Med. 2020). Collection method: curation. Allele origin: germline.
Comment: Missense variant in a coldspot region where missense variants are very unlikely to be pathogenic (PMID:31911673).

BRCA2 exon 11 coldspot. Reclassification based on statistical prior probability.

Literature cited by the submitters: PubMed 32772980 (cited by Labcorp Genetics (formerly Invitae), Labcorp and Ambry Genetics).